The following is an entry in ClinVar:

NC_000008.10:g.(?_126036859)_(126379127_?)dup

Genes: NSMCE2 (NSE2 SUMO ligase component of SMC5/6 complex; plus strand), WASHC5 (WASH complex subunit 5; minus strand). Cytogenetic location: 8q24.13.
Variant type: Duplication.
Identifiers: ClinVar variation 2425993 (VCV002425993.3).

ClinVar aggregate classification (germline): Uncertain significance (1 of 4 stars; one submission).

Conditions:
Ritscher-Schinzel syndrome. Also called: CRANIOCEREBELLOCARDIAC DYSPLASIA. Identifiers: Orphanet 7, MedGen C0796137, MONDO:0019078.
Hereditary spastic paraplegia 8 (SPG8). Also called: SPASTIC PARAPLEGIA 8, AUTOSOMAL DOMINANT. Identifiers: Orphanet 100989, MedGen C1863704, MONDO:0011339, OMIM 603563.

Submission:

Labcorp Genetics (formerly Invitae), Labcorp
Classification: Uncertain significance for Ritscher-Schinzel syndrome; Hereditary spastic paraplegia 8. Last evaluated: 2022-05-27. Review status: criteria provided, single submitter. Criteria: Invitae Variant Classification Sherloc (09022015). Collection method: clinical testing. Allele origin: germline.
Comment: A copy number gain of the genomic region encompassing the full coding sequence of the WASHC5 gene has been identified. The boundaries of this event are unknown as they extend beyond the assayed region for this gene and therefore may encompass additional genes. As the precise location of this event is unknown, it may be in tandem or it may be located elsewhere in the genome. This variant has not been reported in the literature in individuals affected with WASHC5-related conditions. In summary, the available evidence is currently insufficient to determine the role of this variant in disease. Therefore, it has been classified as a Variant of Uncertain Significance.